The following is an entry in ClinVar:

NM_018297.4(NGLY1):c.881+8C>T

Gene: NGLY1 (N-glycanase 1; minus strand). Cytogenetic location: 3p24.2.
Variant type: single nucleotide variant.
Coding change: c.881+8C>T on transcript NM_018297.4 (MANE Select); 8 bases into the intron after coding-DNA position 881, C replaced by T.
Molecular consequence: intron variant.
Genome position (GRCh38, 1-based): chr3:25,739,569, G>A on the plus strand (C>T on the coding strand, the complement: NGLY1 is on the minus strand). VCF-style: chr3-25739569-G-A. GRCh37 (hg19) VCF-style: chr3-25781060-G-A.
Other names: c.755+8C>T (NM_001145294.2); c.881+8C>T (NM_001145295.2, NM_001145293.2).
Identifiers: ClinVar variation 474237 (VCV000474237.13), dbSNP rs143998271, ClinGen allele CA2289363.
Genomic context (GRCh38, chr3:25,739,569, plus strand): 5'-TTAGTAAAAACTCTCTTCTAACTATTTCATTAAGAGATTATTCTGATTTTACCATCCAGG[G>A]CACCCACCTTGGGAATCGATTGCTGAACTGGCAGGCATCACAGTAATGATCTTCCACTTC-3'

ClinVar aggregate classification (germline): Benign/Likely benign. Review status: criteria provided, multiple submitters, no conflicts (2 of 4 stars). 3 submissions from 3 submitters: Benign (1); Likely benign (1). 1 of the submissions does not count toward it. Last evaluated 2026-01-31.

Conditions:
Congenital disorder of deglycosylation (CDDG). Identifiers: MedGen C3808991, MONDO:0031376.
NGLY1-related disorder. Also called: NGLY1-related condition.

Allele frequency attached by ClinVar (database versions not stated): gnomAD exomes 0.00007 and 0.00020; ESP Exome Variant Server 0.00023; ExAC 0.00025; gnomAD 0.00067 and 0.00072; TOPMed 0.00075; 1000 Genomes Project 30x 0.00078; 1000 Genomes Project 0.00080.
gnomAD v4.1: 211 of 1,612,728 alleles (0.013%); highest among the groups gnomAD compares: African/African-American, 0.24%; 1 homozygote.

Submissions (3):

Labcorp Genetics (formerly Invitae), Labcorp
Classification: Benign for Congenital disorder of deglycosylation. Last evaluated: 2026-01-31. Review status: criteria provided, single submitter. Criteria: Invitae Variant Classification Sherloc (09022015). Collection method: clinical testing. Allele origin: germline.

GeneDx
Classification: Likely benign. Last evaluated: 2017-03-22. Review status: criteria provided, single submitter. Criteria: GeneDx Variant Classification (06012015). Collection method: clinical testing. Allele origin: germline. Affected: yes.
Comment: This variant is considered likely benign or benign based on one or more of the following criteria: it is a conservative change, it occurs at a poorly conserved position in the protein, it is predicted to be benign by multiple in silico algorithms, and/or has population frequency not consistent with disease.

PreventionGenetics, part of Exact Sciences
Classification: Likely benign for NGLY1-related condition. Last evaluated: 2019-05-23. Review status: no assertion criteria provided. Collection method: clinical testing. Allele origin: germline. Not counted in ClinVar's aggregate classification.
Comment: This variant is classified as likely benign based on ACMG/AMP sequence variant interpretation guidelines (Richards et al. 2015 PMID: 25741868, with internal and published modifications).